The following is an entry in ClinVar:

NM_001009944.3(PKD1):c.7367AGG[2] (p.Glu2458del)

Gene: PKD1 (polycystin 1, transient receptor potential channel interacting; minus strand). Cytogenetic location: 16p13.3.
Variant type: Microsatellite.
Coding change: c.7367AGG[2] on transcript NM_001009944.3 (MANE Select); two copies in a row of the 3-base unit AGG starting at c.7367; the reference has three copies in a row; one copy, 3 bases deleted; also written c.7373_7375del.
Protein change: p.Glu2458del; deletes glutamic acid 2458.
Molecular consequence: inframe deletion.
Genome position (GRCh38, 1-based): chr16:2,106,512-2,106,514, CCT deleted on the plus strand (AGG on the coding strand, the reverse complement: PKD1 is on the minus strand); deleting any 3 consecutive bases within chr16:2,106,512-2,106,521 gives the same sequence; the position shown is the placement nearest the transcript's 3' end. VCF-style (leftmost placement, unchanged base first): chr16-2106511-CCCT-C. GRCh37 (hg19) VCF-style: chr16-2156512-CCCT-C.
Other names: c.7373_7375del (NM_001009944.3); c.7367AGG[2], p.Glu2458del (NM_000296.4); short protein forms E2458del.
Identifiers: ClinVar variation 805180 (VCV000805180.5), dbSNP rs1391744174, ClinGen allele CA620705661.

ClinVar aggregate classification (germline): Uncertain significance. Review status: criteria provided, multiple submitters, no conflicts (2 of 4 stars). 4 submissions from 4 submitters: Uncertain significance (4). Last evaluated 2023-09-01.

Conditions:
Polycystic kidney disease, adult type (PKD1). Also called: POLYCYSTIC KIDNEY DISEASE 1 WITH OR WITHOUT POLYCYSTIC LIVER DISEASE; POLYCYSTIC KIDNEY DISEASE, ADULT, TYPE I; Polycystic Kidney, Autosomal Dominant; Polycystic Kidney Disease 1, Autosomal Dominant; Polycystic kidney disease 1; Polycystic kidney disease 1, severe. Identifiers: MedGen C3149841, MONDO:0008263, OMIM 173900.

Submissions (4):

Clinical Genomics Laboratory, Stanford Medicine
Classification: Uncertain significance for Polycystic kidney disease, adult type. Last evaluated: 2023-09-01. Review status: criteria provided, single submitter. Criteria: ACMG Guidelines, 2015. Collection method: clinical testing. Allele origin: germline. Observed: 1 variant allele, 1 heterozygote.
Comment: The p.Glu2458del variant in the PKD1 gene has not been previously reported in association with disease. This variant has been identified in 1/10918 European (non-Finnish) chromosomes (4/222616 chromosomes overall) by the Genome Aggregation Database. This variant is present in ClinVar (VCV000805180.4). This variant results in an in-frame a deletion of 1 amino acid. These data were assessed using the ACMG/AMP variant interpretation guidelines. In summary, the significance of the p.Glu2458del variant is uncertain. Additional information is needed to resolve the significance of this variant. [ACMG evidence codes used: PM2; PM4]

Fulgent Genetics
Classification: Uncertain significance for Polycystic kidney disease, adult type. Last evaluated: 2022-05-20. Review status: criteria provided, single submitter. Criteria: ACMG Guidelines, 2015. Collection method: clinical testing. Allele origin: unknown.

Athena Diagnostics
Classification: Uncertain significance. Last evaluated: 2019-11-12. Review status: criteria provided, single submitter. Criteria: Athena Diagnostics Criteria. Collection method: clinical testing. Allele origin: unknown.

Department of Pathology and Laboratory Medicine, Sinai Health System
Classification: Uncertain significance for Polycystic kidney disease, adult type. Last evaluated: 2019-04-01. Review status: criteria provided, single submitter. Criteria: ACMG Guidelines, 2015. Collection method: research. Allele origin: germline.